The following is an entry in ClinVar:

NM_003664.5(AP3B1):c.1168-70T>C

Gene: AP3B1 (adaptor related protein complex 3 subunit beta 1; minus strand). Cytogenetic location: 5q14.1.
Variant type: single nucleotide variant.
Coding change: c.1168-70T>C on transcript NM_003664.5 (MANE Select); 70 bases into the intron before coding-DNA position 1168, T replaced by C.
Molecular consequence: intron variant.
Genome position (GRCh38, 1-based): chr5:78,165,742, A>G on the plus strand (T>C on the coding strand, the complement: AP3B1 is on the minus strand). VCF-style: chr5-78165742-A-G. GRCh37 (hg19) VCF-style: chr5-77461566-A-G.
Other names: c.1021-70T>C (NM_001271769.2).
Identifiers: ClinVar variation 1231458 (VCV001231458.6), dbSNP rs6873309, ClinGen allele CA121112183.

ClinVar aggregate classification (germline): Benign. Review status: criteria provided, multiple submitters, no conflicts (2 of 4 stars). 3 submissions from 3 submitters: Benign (3). Last evaluated 2023-11-12.

Allele frequency attached by ClinVar (database versions not stated): gnomAD exomes 0.04432; ESP Exome Variant Server 0.09305; gnomAD 0.10374 and 0.10580; TOPMed 0.11918; 1000 Genomes Project 30x 0.13507; 1000 Genomes Project 0.13538.
gnomAD v4.1: 55,736 of 1,037,722 alleles (5.4%); highest among the groups gnomAD compares: African/African-American, 25%; 3,663 homozygotes.

Submissions (3):

Unidad de Genómica Garrahan, Hospital de Pediatría Garrahan
Classification: Benign. Last evaluated: 2023-11-12. Review status: criteria provided, single submitter. Criteria: ACMG Guidelines, 2015. Collection method: clinical testing. Allele origin: germline. Affected: no. Observed: 19 variant alleles.
Comment: This variant is classified as Benign based on local population frequency. This variant was detected in 20% of patients studied by a panel of primary immunodeficiencies. Number of patients: 19. Only high quality variants are reported.

GeneDx
Classification: Benign. Last evaluated: 2018-11-10. Review status: criteria provided, single submitter. Criteria: GeneDx Variant Classification Process June 2021. Collection method: clinical testing. Allele origin: germline. Affected: yes.

Breakthrough Genomics
Classification: Benign. Review status: criteria provided, single submitter. Criteria: ACMG Guidelines, 2015. Collection method: not provided. Allele origin: germline. Inheritance: Autosomal recessive inheritance. Affected: yes.